The following is an entry in ClinVar:

ClinVar aggregate classification (germline): Uncertain significance (1 of 4 stars; one submission).

Conditions:
Dystonic disorder. Also called: Dystonia. Identifiers: MedGen C0013421, MONDO:0003441, HP:0001332.

gnomAD v4.1: 1 of 1,614,114 alleles (0.000062%); highest among the groups gnomAD compares: Non-Finnish European, 0.000085%; no homozygotes.

Submission:

Labcorp Genetics (formerly Invitae), Labcorp
Classification: Uncertain significance for Dystonic disorder. Last evaluated: 2025-06-12. Review status: criteria provided, single submitter. Criteria: Invitae Variant Classification Sherloc (09022015). Collection method: clinical testing. Allele origin: germline.
Comment: This sequence change replaces alanine, which is neutral and non-polar, with valine, which is neutral and non-polar, at codon 127 of the DRD2 protein (p.Ala127Val). This variant is not present in population databases (gnomAD no frequency). This variant has not been reported in the literature in individuals affected with DRD2-related conditions. ClinVar contains an entry for this variant (Variation ID: 3698662). An algorithm developed to predict the effect of missense changes on protein structure and function (PolyPhen-2) suggests that this variant is likely to be disruptive. In summary, the available evidence is currently insufficient to determine the role of this variant in disease. Therefore, it has been classified as a Variant of Uncertain Significance.

NM_000795.4(DRD2):c.380C>T (p.Ala127Val)

Gene: DRD2 (dopamine receptor D2; minus strand). Cytogenetic location: 11q23.2.
Variant type: single nucleotide variant.
Coding change: c.380C>T on transcript NM_000795.4 (MANE Select); coding-DNA position 380, C replaced by T.
Protein change: p.Ala127Val; replaces alanine 127 with valine.
Molecular consequence: missense variant.
Genome position (GRCh38, 1-based): chr11:113,418,042, G>A on the plus strand (C>T on the coding strand, the complement: DRD2 is on the minus strand). VCF-style: chr11-113418042-G-A. GRCh37 (hg19) VCF-style: chr11-113288764-G-A.
Other names: c.380C>T, p.Ala127Val (NM_016574.4); short protein forms A127V.
Identifiers: ClinVar variation 3698662 (VCV003698662.2).